The following is an entry in ClinVar:

NM_004168.4(SDHA):c.1763C>T (p.Ser588Leu)

Gene: SDHA (succinate dehydrogenase complex flavoprotein subunit A; plus strand). Cytogenetic location: 5p15.33.
Variant type: single nucleotide variant.
Coding change: c.1763C>T on transcript NM_004168.4 (MANE Select); coding-DNA position 1763, C replaced by T.
Protein change: p.Ser588Leu; replaces serine 588 with leucine.
Molecular consequence: missense variant. On other transcripts: intron variant (1).
Genome position (GRCh38, 1-based): chr5:251,437, C>T. VCF-style: chr5-251437-C-T. GRCh37 (hg19) VCF-style: chr5-251552-C-T.
Other names: c.1619C>T, p.Ser540Leu (NM_001294332.2); c.1552-2956C>T (NM_001330758.2); c.1763C>T (NM_004168.2); short protein forms S540L, S588L.
Identifiers: ClinVar variation 651365 (VCV000651365.9), dbSNP rs1579439198, ClinGen allele CA359000336.
Genomic context (GRCh38, chr5:251,437, plus strand): 5'-TGCAGAACCTGATGCTGTGTGCGCTGCAGACCATCTACGGAGCAGAGGCACGGAAGGAGT[C>T]ACGGGGCGCGCATGCCAGGGAAGACTACAAGGTGGGCCTTCTCACCACGCCCACCTGCAC-3'
Protein context (NP_004159.2, residues 578-598): TIYGAEARKE[Ser588Leu]RGAHAREDYK

ClinVar aggregate classification (germline): Uncertain significance. Review status: criteria provided, multiple submitters, no conflicts (2 of 4 stars). 3 submissions from 3 submitters: Uncertain significance (3). Last evaluated 2025-07-16.

Conditions:
Pheochromocytoma/paraganglioma syndrome 5. Also called: Paragangliomas 5; SDHA-Related Hereditary Paraganglioma-Pheochromocytoma Syndrome. Identifiers: Orphanet 29072, MedGen C3279992, MONDO:0013602, OMIM 614165.
Mitochondrial complex II deficiency, nuclear type 1. Also called: SUCCINATE CoQ REDUCTASE DEFICIENCY. Identifiers: Orphanet 3208, MedGen C5700310, MONDO:0100294, OMIM 252011.
Hereditary cancer-predisposing syndrome. Also called: Tumor predisposition; Neoplastic Syndromes, Hereditary; Hereditary Cancer Syndrome; Hereditary neoplastic syndrome. Identifiers: Orphanet 140162, MedGen C0027672, MeSH D009386, MONDO:0015356.

Allele frequency attached by ClinVar (database versions not stated): gnomAD exomes below 0.00001.
gnomAD v4.1: 2 of 1,613,994 alleles (0.00012%); highest among the groups gnomAD compares: Non-Finnish European, 0.00017%; no homozygotes.

Submissions (3):

Labcorp Genetics (formerly Invitae), Labcorp
Classification: Uncertain significance for Pheochromocytoma/paraganglioma syndrome 5; Mitochondrial complex II deficiency, nuclear type 1. Last evaluated: 2025-07-16. Review status: criteria provided, single submitter. Criteria: Invitae Variant Classification Sherloc (09022015). Collection method: clinical testing. Allele origin: germline.
Comment: This sequence change replaces serine, which is neutral and polar, with leucine, which is neutral and non-polar, at codon 588 of the SDHA protein (p.Ser588Leu). This variant is not present in population databases (gnomAD no frequency). This variant has not been reported in the literature in individuals affected with SDHA-related conditions. ClinVar contains an entry for this variant (Variation ID: 651365). Invitae Evidence Modeling of protein sequence and biophysical properties (such as structural, functional, and spatial information, amino acid conservation, physicochemical variation, residue mobility, and thermodynamic stability) indicates that this missense variant is expected to disrupt SDHA protein function with a positive predictive value of 80%. In summary, the available evidence is currently insufficient to determine the role of this variant in disease. Therefore, it has been classified as a Variant of Uncertain Significance.

Women's Health and Genetics/Laboratory Corporation of America, LabCorp
Classification: Uncertain significance. Last evaluated: 2024-09-11. Review status: criteria provided, single submitter. Criteria: LabCorp Variant Classification Summary - May 2015. Collection method: clinical testing. Allele origin: germline.
Comment: Variant summary: SDHA c.1763C>T (p.Ser588Leu) results in a non-conservative amino acid change located in the Fumarate reductase/succinate dehydrogenase flavoprotein-like, C-terminal domain (IPR015939) of the encoded protein sequence. Five of five in-silico tools predict a damaging effect of the variant on protein function. The variant was absent in 251004 control chromosomes. The available data on variant occurrences in the general population are insufficient to allow any conclusion about variant significance. To our knowledge, no occurrence of c.1763C>T in individuals affected with Neurodegeneration With Ataxia And Late-Onset Optic Atrophy and no experimental evidence demonstrating its impact on protein function have been reported. ClinVar contains an entry for this variant (Variation ID: 651365). Based on the evidence outlined above, the variant was classified as uncertain significance.

Ambry Genetics
Classification: Uncertain significance for Hereditary cancer-predisposing syndrome. Last evaluated: 2024-05-28. Review status: criteria provided, single submitter. Criteria: Ambry Variant Classification Scheme 2023. Collection method: clinical testing. Allele origin: germline.
Comment: The p.S588L variant (also known as c.1763C>T), located in coding exon 13 of the SDHA gene, results from a C to T substitution at nucleotide position 1763. The serine at codon 588 is replaced by leucine, an amino acid with dissimilar properties. This amino acid position is highly conserved in available vertebrate species. In addition, this alteration is predicted to be deleterious by in silico analysis. Based on the available evidence, the clinical significance of this variant remains unclear.